The following is an entry in ClinVar:

NM_145260.3(OSR1):c.417C>T (p.Gly139=)

Gene: OSR1 (odd-skipped related transcription factor 1; minus strand). Cytogenetic location: 2p24.1.
Variant type: single nucleotide variant.
Coding change: c.417C>T on transcript NM_145260.3 (MANE Select); coding-DNA position 417, C replaced by T.
Protein change: p.Gly139=; no amino-acid change (glycine 139 retained).
Molecular consequence: synonymous variant.
Genome position (GRCh38, 1-based): chr2:19,353,389, G>A on the plus strand (C>T on the coding strand, the complement: OSR1 is on the minus strand). VCF-style: chr2-19353389-G-A. GRCh37 (hg19) VCF-style: chr2-19553150-G-A.
Identifiers: ClinVar variation 758618 (VCV000758618.27), dbSNP rs112925153, ClinGen allele CA1542370.

ClinVar aggregate classification (germline): Likely benign. Review status: criteria provided, multiple submitters, no conflicts (2 of 4 stars). 2 submissions from 2 submitters: Likely benign (2). Last evaluated 2022-09-01.

Allele frequency attached by ClinVar (database versions not stated): gnomAD exomes 0.00007; ExAC 0.00011; ESP Exome Variant Server 0.00031; TOPMed 0.00041; gnomAD 0.00048.

Submissions (2):

CeGaT Center for Human Genetics Tuebingen
Classification: Likely benign. Last evaluated: 2022-09-01. Review status: criteria provided, single submitter. Criteria: CeGaT Center For Human Genetics Tuebingen Variant Classification Criteria Version 2. Collection method: clinical testing. Allele origin: germline. Affected: yes. Observed: 1 variant allele.
Comment: OSR1: BP4, BP7

Labcorp Genetics (formerly Invitae), Labcorp
Classification: Likely benign. Last evaluated: 2018-05-03. Review status: criteria provided, single submitter. Criteria: Invitae Variant Classification Sherloc (09022015). Collection method: clinical testing. Allele origin: germline.